The following is an entry in ClinVar:

ClinVar aggregate classification (germline): Pathogenic. Review status: criteria provided, multiple submitters, no conflicts (2 of 4 stars). 4 submissions from 4 submitters: Pathogenic (4). Last evaluated 2026-09-08.

Conditions:
Fabry disease. Also called: Fabry's disease; Angiokeratoma corporis diffusum; CERAMIDE TRIHEXOSIDASE DEFICIENCY; GLA DEFICIENCY; HEREDITARY DYSTOPIC LIPIDOSIS; ALPHA-GALACTOSIDASE A DEFICIENCY. Identifiers: Orphanet 324, MedGen C0002986, MONDO:0010526, OMIM 301500, HP:0001071. Disease mechanism: loss of function, Fabry disease is due to inactivating mutations in the X-linked GLA gene resulting in deficiency of the enzyme Alpha Galactosidase-A..

Submissions (4):

Genomenon, Inc
Classification: Pathogenic for Fabry disease. Last evaluated: 2026-09-08. Review status: criteria provided, single submitter. Criteria: Genomenon Sequence Variant Interpretation Standards - Updated. Collection method: curation. Allele origin: germline. Affected: yes.
Comment: GLA p.Asp93Ter (c.273_276dup) is a nonsense variant that introduces a premature stop codon at amino acid position 93 and is predicted to result in a truncated or absent protein product. This variant has been observed in at least one proband with clinical features consistent with Fabry disease (PMID:25900714;16148726;11531969). At least one functional study has demonstrated a substantial alteration in protein function relative to the wild-type (PMID:23935525). It is absent or not present at a significant frequency in gnomAD. In conclusion, we classify GLA p.Asp93Ter (c.273_276dup) as a pathogenic variant.

Revvity Omics, Revvity
Classification: Pathogenic. Last evaluated: 2023-01-20. Review status: criteria provided, single submitter. Criteria: ACMG Guidelines, 2015. Collection method: clinical testing. Allele origin: germline.

Labcorp Genetics (formerly Invitae), Labcorp
Classification: Pathogenic for Fabry disease. Last evaluated: 2022-07-04. Review status: criteria provided, single submitter. Criteria: Invitae Variant Classification Sherloc (09022015). Collection method: clinical testing. Allele origin: germline.
Comment: For these reasons, this variant has been classified as Pathogenic. Experimental studies have shown that this premature translational stop signal affects GLA function (PMID: 23935525). Algorithms developed to predict the effect of variants on protein structure and function are not available or were not evaluated for this variant. ClinVar contains an entry for this variant (Variation ID: 917785). This premature translational stop signal has been observed in individual(s) with clinical features of Fabry disease (PMID: 23935525). This variant is not present in population databases (gnomAD no frequency). This sequence change creates a premature translational stop signal (p.Asp93*) in the GLA gene. It is expected to result in an absent or disrupted protein product. Loss-of-function variants in GLA are known to be pathogenic (PMID: 10666480, 12175777).

Women's Health and Genetics/Laboratory Corporation of America, LabCorp
Classification: Pathogenic for Fabry disease. Last evaluated: 2020-04-14. Review status: criteria provided, single submitter. Criteria: LabCorp Variant Classification Summary - May 2015. Collection method: clinical testing. Allele origin: germline.
Comment: Variant summary: GLA c.273_276dupTGAT (p.Asp93X) results in a premature termination codon, predicted to cause a truncation of the encoded protein or absence of the protein due to nonsense mediated decay, which are commonly known mechanisms for disease. Truncations downstream of this position have been classified as pathogenic by our laboratory. The variant was absent in 183388 control chromosomes (gnomAD). c.273_276dupTGAT has been reported in the literature in individuals affected with Fabry Disease (Altarescu_2001, Schiffmann_2015). The variant is reported as having <10% alpha-Gal activity compared to WT, and was not responsive to the pharmacological chaperone (PC) 1-deoxygalactonojirimycin (DGJ) in in vitro studies (Altarescu_2001, Lukas_2013). No clinical diagnostic laboratories have submitted clinical-significance assessments for this variant to ClinVar after 2014. Based on the evidence outlined above, the variant was classified as pathogenic.

Literature cited by the submitters: PubMed 25900714 (cited by Genomenon, Inc and Women's Health and Genetics/Laboratory Corporation of America, LabCorp); PubMed 16148726 (cited by Genomenon, Inc); PubMed 11531969 (cited by Genomenon, Inc and Women's Health and Genetics/Laboratory Corporation of America, LabCorp); PubMed 23935525 (cited by 3 submitters); PubMed 10666480 (cited by Labcorp Genetics (formerly Invitae), Labcorp); PubMed 12175777 (cited by Labcorp Genetics (formerly Invitae), Labcorp).

NM_000169.3(GLA):c.273_276dup (p.Asp93Ter)

Genes: GLA (galactosidase alpha; minus strand), RPL36A-HNRNPH2 (RPL36A-HNRNPH2 readthrough; plus strand). Cytogenetic location: Xq22.1.
Variant type: Duplication.
Coding change: c.273_276dup on transcript NM_000169.3 (MANE Select); coding-DNA positions 273 to 276, 4 bases duplicated (TGAT; older notation c.273_276dupTGAT).
Protein change: p.Asp93Ter; replaces aspartic acid 93 with a stop codon.
Molecular consequence: nonsense. On other transcripts: frameshift variant (2), non-coding transcript variant (3), intron variant (2).
Genome position (GRCh38, 1-based): chrX:101,403,904-101,403,907, ATCA duplicated on the plus strand (TGAT on the coding strand, the reverse complement: GLA is on the minus strand); duplicating any 4 consecutive bases within chrX:101,403,904-101,403,909 gives the same sequence; the c. name uses the placement nearest the transcript's 3' end. VCF-style (leftmost placement, unchanged base first): chrX-101403903-C-CATCA. GRCh37 (hg19) VCF-style: chrX-100658891-C-CATCA.
Other names: c.273_276dupTGAT (NM_000169.2); c.273_276dup (NM_000169.2); c.396_399dup, p.Asp134Ter (NM_001406747.1, NM_001406749.1); c.273_276dup, p.Asp93Ter (NM_001406748.1); c.301-8030_301-8027dup (NM_001199973.2); c.178-8030_178-8027dup (NM_001199974.2); short protein forms D93*, D134*.
Identifiers: ClinVar variation 917785 (VCV000917785.12), dbSNP rs1928406808, ClinGen allele CA1139667728.